The following is an entry in ClinVar:

ClinVar aggregate classification (germline): Uncertain significance (1 of 4 stars; one submission).

Submission:

Labcorp Genetics (formerly Invitae), Labcorp
Classification: Uncertain significance. Last evaluated: 2020-03-26. Review status: criteria provided, single submitter. Criteria: Invitae Variant Classification Sherloc (09022015). Collection method: clinical testing. Allele origin: germline.
Comment: This sequence change replaces serine with glycine at codon 1660 of the SZT2 protein (p.Ser1660Gly). The serine residue is highly conserved and there is a small physicochemical difference between serine and glycine. This variant is not present in population databases (ExAC no frequency). This variant has not been reported in the literature in individuals with SZT2-related conditions. Algorithms developed to predict the effect of missense changes on protein structure and function output the following: SIFT: "Tolerated"; PolyPhen-2: "Benign"; Align-GVGD: "Class C0". The glycine amino acid residue is found in multiple mammalian species, suggesting that this missense change does not adversely affect protein function. These predictions have not been confirmed by published functional studies and their clinical significance is uncertain. In summary, the available evidence is currently insufficient to determine the role of this variant in disease. Therefore, it has been classified as a Variant of Uncertain Significance.

NM_001365999.1(SZT2):c.5149A>G (p.Ser1717Gly)

Gene: SZT2 (SZT2 subunit of KICSTOR complex; plus strand). Cytogenetic location: 1p34.2.
Variant type: single nucleotide variant.
Coding change: c.5149A>G on transcript NM_001365999.1 (MANE Select); coding-DNA position 5149, A replaced by G.
Protein change: p.Ser1717Gly; replaces serine 1717 with glycine.
Molecular consequence: missense variant.
Genome position (GRCh38, 1-based): chr1:43,431,776, A>G. VCF-style: chr1-43431776-A-G. GRCh37 (hg19) VCF-style: chr1-43897447-A-G.
Other names: c.4978A>G, p.Ser1660Gly (NM_015284.4); short protein forms S1660G, S1717G.
Identifiers: ClinVar variation 1058453 (VCV001058453.9), dbSNP rs2153934066, ClinGen allele CA340023507.
Genomic context (GRCh38, chr1:43,431,776, plus strand): 5'-ATCCGCTGGTTGTTGGAAGATGAGATGGTGGGGGCACTCCGAAGAGGGGGCATCCCACAG[A>G]GTCCTGCCCTGCACCGCGCAGCTGCCCATATCCATAGTTCTCCTGGACGCTCCACCTGCC-3'
Protein context (NP_001352928.1, residues 1707-1727): GALRRGGIPQ[Ser1717Gly]PALHRAAAHI